The following is an entry in ClinVar:

ClinVar aggregate classification (germline): Likely pathogenic (1 of 4 stars; one submission).

Conditions:
Optic atrophy 3 (OPA3). Also called: OPTIC ATROPHY 3, AUTOSOMAL DOMINANT; Optic atrophy, cataract, and neurologic disorder; Optic atrophy 3 with cataract. Identifiers: Orphanet 67036, MedGen C1833809, MONDO:0008133, OMIM 165300.
3-Methylglutaconic aciduria type 3 (MGCA3). Also called: OPA3, AUTOSOMAL RECESSIVE; OPTIC ATROPHY 3, AUTOSOMAL RECESSIVE; OPA3-Related 3-Methylglutaconic Aciduria; Costeff Syndrome. Identifiers: Orphanet 67047, MedGen C0574084, MONDO:0009787, OMIM 258501.

Submission:

Labcorp Genetics (formerly Invitae), Labcorp
Classification: Likely pathogenic for 3-Methylglutaconic aciduria type 3; Optic atrophy 3. Last evaluated: 2025-03-12. Review status: criteria provided, single submitter. Criteria: Invitae Variant Classification Sherloc (09022015). Collection method: clinical testing. Allele origin: germline.
Comment: This sequence change replaces glutamine, which is neutral and polar, with arginine, which is basic and polar, at codon 47 of the OPA3 protein (p.Gln47Arg). This variant is not present in population databases (gnomAD no frequency). This missense change has been observed in individual(s) with clinical features of optic atrophy (internal data). In at least one individual the variant was observed to be de novo. An algorithm developed to predict the effect of missense changes on protein structure and function (PolyPhen-2) suggests that this variant is likely to be tolerated. In summary, the currently available evidence indicates that the variant is pathogenic, but additional data are needed to prove that conclusively. Therefore, this variant has been classified as Likely Pathogenic.

NM_025136.4(OPA3):c.140A>G (p.Gln47Arg)

Genes: OPA3 (outer mitochondrial membrane lipid metabolism regulator OPA3; minus strand), OPA3-RTN2 (OPA3-RTN2 readthrough; minus strand). Cytogenetic location: 19q13.32.
Variant type: single nucleotide variant.
Coding change: c.140A>G on transcript NM_025136.4 (MANE Select); coding-DNA position 140, A replaced by G.
Protein change: p.Gln47Arg; replaces glutamine 47 with arginine.
Molecular consequence: missense variant.
Genome position (GRCh38, 1-based): chr19:45,584,625, T>C on the plus strand (A>G on the coding strand, the complement: OPA3 is on the minus strand). VCF-style: chr19-45584625-T-C. GRCh37 (hg19) VCF-style: chr19-46087883-T-C.
Other names: c.140A>G, p.Gln47Arg (NM_001017989.3); short protein forms Q47R.
Identifiers: ClinVar variation 3760447 (VCV003760447.2).